The following is an entry in ClinVar:

ClinVar aggregate classification (germline): Uncertain significance (1 of 4 stars; one submission).

Conditions:
Malignant hyperthermia, susceptibility to, 5 (MHS5). Also called: CACNA1S-Related Malignant Hyperthermia Susceptibility. Identifiers: Orphanet 423, MedGen C1866077, MONDO:0011163, OMIM 601887.
Hypokalemic periodic paralysis, type 1. Also called: HypoPP; Hypokalemic Periodic Paralysis Type 1 (AD). Identifiers: Orphanet 681, MedGen C3714580, MONDO:0042979, OMIM 170400.

Allele frequency attached by ClinVar (database versions not stated): gnomAD exomes below 0.00001.
gnomAD v4.1: 1 of 1,612,876 alleles (0.000062%); highest among the groups gnomAD compares: Non-Finnish European, 0.000085%; no homozygotes.

Submission:

Labcorp Genetics (formerly Invitae), Labcorp
Classification: Uncertain significance for Hypokalemic periodic paralysis, type 1; Malignant hyperthermia, susceptibility to, 5. Last evaluated: 2022-07-02. Review status: criteria provided, single submitter. Criteria: Invitae Variant Classification Sherloc (09022015). Collection method: clinical testing. Allele origin: germline.
Comment: This sequence change replaces leucine, which is neutral and non-polar, with proline, which is neutral and non-polar, at codon 328 of the CACNA1S protein (p.Leu328Pro). In summary, the available evidence is currently insufficient to determine the role of this variant in disease. Therefore, it has been classified as a Variant of Uncertain Significance. Advanced modeling of protein sequence and biophysical properties (such as structural, functional, and spatial information, amino acid conservation, physicochemical variation, residue mobility, and thermodynamic stability) performed at Invitae indicates that this missense variant is expected to disrupt CACNA1S protein function. This variant has not been reported in the literature in individuals affected with CACNA1S-related conditions. This variant is present in population databases (no rsID available, gnomAD 0.0009%).

NM_000069.3(CACNA1S):c.983T>C (p.Leu328Pro)

Gene: CACNA1S (calcium voltage-gated channel subunit alpha1 S; minus strand). Cytogenetic location: 1q32.1.
Variant type: single nucleotide variant.
Coding change: c.983T>C on transcript NM_000069.3 (MANE Select); coding-DNA position 983, T replaced by C.
Protein change: p.Leu328Pro; replaces leucine 328 with proline.
Molecular consequence: missense variant.
Genome position (GRCh38, 1-based): chr1:201,087,847, A>G on the plus strand (T>C on the coding strand, the complement: CACNA1S is on the minus strand). VCF-style: chr1-201087847-A-G. GRCh37 (hg19) VCF-style: chr1-201056975-A-G.
Other names: short protein forms L328P.
Identifiers: ClinVar variation 2103878 (VCV002103878.4), dbSNP rs1474333970, ClinGen allele CA344131967.